The following is an entry in ClinVar:

NM_001399.5(EDA):c.1108T>C (p.Ser370Pro)

Gene: EDA (ectodysplasin A; plus strand). Cytogenetic location: Xq13.1.
Variant type: single nucleotide variant.
Coding change: c.1108T>C on transcript NM_001399.5 (MANE Select); coding-DNA position 1108, T replaced by C.
Protein change: p.Ser370Pro; replaces serine 370 with proline.
Molecular consequence: missense variant.
Genome position (GRCh38, 1-based): chrX:70,035,541, T>C. VCF-style: chrX-70035541-T-C. GRCh37 (hg19) VCF-style: chrX-69255391-T-C.
Other names: c.1102T>C, p.Ser368Pro (NM_001005609.2); c.1093T>C, p.Ser365Pro (NM_001005612.3); c.1099T>C, p.Ser367Pro (NM_001440761.1); c.1066T>C, p.Ser356Pro (NM_001440762.1); short protein forms S356P, S365P, S368P, S370P, S367P.
Identifiers: ClinVar variation 4742481 (VCV004742481.1).

ClinVar aggregate classification (germline): Uncertain significance (1 of 4 stars; one submission).

Conditions:
Hypohidrotic X-linked ectodermal dysplasia (XHED). Also called: Ectodermal Dysplasia 1, Anhidrotic; ECTODERMAL DYSPLASIA, HYPOHIDROTIC, 1; CST SYNDROME; ECTODERMAL DYSPLASIA 1; Anhidrotic ectodermal dysplasia X-linked; Christ Siemens Touraine syndrome. Identifiers: Orphanet 181, Orphanet 238468, MedGen C0162359, MONDO:0010585, OMIM 305100.

Submission:

Labcorp Genetics (formerly Invitae), Labcorp
Classification: Uncertain significance for Hypohidrotic X-linked ectodermal dysplasia. Last evaluated: 2025-02-06. Review status: criteria provided, single submitter. Criteria: Invitae Variant Classification Sherloc (09022015). Collection method: clinical testing. Allele origin: germline.
Comment: This sequence change replaces serine, which is neutral and polar, with proline, which is neutral and non-polar, at codon 370 of the EDA protein (p.Ser370Pro). This variant is not present in population databases (gnomAD no frequency). This variant has not been reported in the literature in individuals affected with EDA-related conditions. Invitae Evidence Modeling of protein sequence and biophysical properties (such as structural, functional, and spatial information, amino acid conservation, physicochemical variation, residue mobility, and thermodynamic stability) indicates that this missense variant is not expected to disrupt EDA protein function with a negative predictive value of 80%. In summary, the available evidence is currently insufficient to determine the role of this variant in disease. Therefore, it has been classified as a Variant of Uncertain Significance.